The following is an entry in ClinVar:

ClinVar aggregate classification (germline): Uncertain significance (1 of 4 stars; one submission).

Allele frequency attached by ClinVar (database versions not stated): gnomAD exomes below 0.00001.

Submission:

Labcorp Genetics (formerly Invitae), Labcorp
Classification: Uncertain significance. Last evaluated: 2023-12-27. Review status: criteria provided, single submitter. Criteria: Invitae Variant Classification Sherloc (09022015). Collection method: clinical testing. Allele origin: germline.
Comment: This sequence change replaces histidine, which is basic and polar, with tyrosine, which is neutral and polar, at codon 482 of the BACH2 protein (p.His482Tyr). This variant is not present in population databases (gnomAD no frequency). This variant has not been reported in the literature in individuals affected with BACH2-related conditions. Advanced modeling of protein sequence and biophysical properties (such as structural, functional, and spatial information, amino acid conservation, physicochemical variation, residue mobility, and thermodynamic stability) performed at Invitae indicates that this missense variant is not expected to disrupt BACH2 protein function with a negative predictive value of 80%. In summary, the available evidence is currently insufficient to determine the role of this variant in disease. Therefore, it has been classified as a Variant of Uncertain Significance.

NM_021813.4(BACH2):c.1444C>T (p.His482Tyr)

Gene: BACH2 (BACH transcriptional regulator 2; minus strand). Cytogenetic location: 6q15.
Variant type: single nucleotide variant.
Coding change: c.1444C>T on transcript NM_021813.4 (MANE Select); coding-DNA position 1444, C replaced by T.
Protein change: p.His482Tyr; replaces histidine 482 with tyrosine.
Molecular consequence: missense variant.
Genome position (GRCh38, 1-based): chr6:89,950,662, G>A on the plus strand (C>T on the coding strand, the complement: BACH2 is on the minus strand). VCF-style: chr6-89950662-G-A. GRCh37 (hg19) VCF-style: chr6-90660381-G-A.
Other names: c.1444C>T, p.His482Tyr (NM_001170794.2); short protein forms H482Y.
Identifiers: ClinVar variation 2705765 (VCV002705765.3), dbSNP rs2533565276, ClinGen allele CA365070824.
Genomic context (GRCh38, chr6:89,950,662, plus strand): 5'-CCGGGCAGCTGGTGTTGGGCCGCATCCTTCCTGGCAAGTGGTCGGCCATCAGCCCACCGT[G>A]GGAGTAGGCCTGCGAGCTGGGGAGGGACTGGCCGGCTCCCACCCACAGACCCTTTGGCAC-3'
Protein context (NP_068585.1, residues 472-492): QSLPSSQAYS[His482Tyr]GGLMADHLPG